The following is an entry in ClinVar:

ClinVar aggregate classification (germline): Uncertain significance. Review status: criteria provided, single submitter (1 of 4 stars). 2 submissions from 2 submitters: Uncertain significance (1). 1 of the submissions does not count toward it. Last evaluated 2023-11-03.

Conditions:
Cystic fibrosis (CF). Also called: MUCOVISCIDOSIS. Identifiers: Orphanet 586, MedGen C0010674, MONDO:0009061, OMIM 219700. Disease mechanism: loss of function.
CFTR-related disorder (CFTR-RD). Also called: CFTR-related disorders; CFTR-related condition. Identifiers: MedGen C5924204, MONDO:7770004.

Submissions (2):

Ambry Genetics
Classification: Uncertain significance for Cystic fibrosis. Last evaluated: 2023-11-03. Review status: criteria provided, single submitter. Criteria: Ambry Variant Classification Scheme 2023. Collection method: clinical testing. Allele origin: germline.
Comment: The p.R1158P variant (also known as c.3473G>C), located in coding exon 22 of the CFTR gene, results from a G to C substitution at nucleotide position 3473. The arginine at codon 1158 is replaced by proline, an amino acid with dissimilar properties. This amino acid position is conserved. In addition, this alteration is predicted to be deleterious by in silico analysis. Since supporting evidence is limited at this time, the clinical significance of this alteration remains unclear.

Natera, Inc.
Classification: Uncertain significance for CFTR-related disorders. Last evaluated: 2025-05-02. Review status: no assertion criteria provided. Collection method: clinical testing. Allele origin: germline. Not counted in ClinVar's aggregate classification.

NM_000492.4(CFTR):c.3473G>C (p.Arg1158Pro)

Genes: CFTR (CF transmembrane conductance regulator; plus strand), CFTR-AS2 (CFTR antisense RNA 2; minus strand). Cytogenetic location: 7q31.2.
Variant type: single nucleotide variant.
Coding change: c.3473G>C on transcript NM_000492.4 (MANE Select); coding-DNA position 3473, G replaced by C.
Protein change: p.Arg1158Pro; replaces arginine 1158 with proline.
Molecular consequence: missense variant.
Genome position (GRCh38, 1-based): chr7:117,627,526, G>C. VCF-style: chr7-117627526-G-C. GRCh37 (hg19) VCF-style: chr7-117267580-G-C.
Other names: short protein forms R1158P.
Identifiers: ClinVar variation 3231888 (VCV003231888.2), dbSNP rs763401376, ClinGen allele CA368995928.